The following is an entry in ClinVar:

ClinVar aggregate classification (germline): Uncertain significance. Review status: criteria provided, multiple submitters, no conflicts (2 of 4 stars). 7 submissions from 7 submitters: Uncertain significance (6). 1 of the submissions does not count toward it. Last evaluated 2026-05-26.

Conditions:
GBA1-related disorder. Also called: GBA1-related condition.
Gaucher disease. Also called: Acute cerebral Gaucher disease; Cerebroside lipidosis syndrome; Gaucher splenomegaly; Sphingolipidosis 1; Glucocerebrosidosis; Glucosylceramidase deficiency. Identifiers: Orphanet 355, MedGen C0017205, MONDO:0018150.
Gaucher disease perinatal lethal. Also called: Gaucher disease collodion type; Gaucher Disease, Perinatal-Lethal Form. Identifiers: Orphanet 85212, MedGen C1842704, MONDO:0011945, OMIM 608013.
Gaucher disease-ophthalmoplegia-cardiovascular calcification syndrome. Also called: GAUCHER DISEASE, TYPE IIIC. Identifiers: Orphanet 2072, MedGen C1856476, MONDO:0009268, OMIM 231005.
Lewy body dementia (DLB). Also called: Lewy Body Disease. Identifiers: MedGen C0752347, MONDO:0007488, OMIM 127750.
Gaucher disease type I (GD1). Also called: ACID BETA-GLUCOSIDASE DEFICIENCY; GAUCHER DISEASE, NONCEREBRAL JUVENILE; GBA DEFICIENCY; GD I; GLUCOCEREBROSIDASE DEFICIENCY; GD 1. Identifiers: Orphanet 355, Orphanet 77259, MedGen C1961835, MONDO:0009265, OMIM 230800.
Gaucher disease type II (GD2). Also called: GAUCHER DISEASE, ACUTE NEURONOPATHIC TYPE; GD II; Type 2 Gaucher disease (Acute; Infantile); Acute neuronopathic Gaucher's disease. Identifiers: Orphanet 77260, MedGen C0268250, MONDO:0009266, OMIM 230900.
Gaucher disease type III. Also called: GAUCHER DISEASE, CHRONIC NEURONOPATHIC TYPE; GAUCHER DISEASE, JUVENILE AND ADULT, CEREBRAL; GAUCHER DISEASE, SUBACUTE NEURONOPATHIC TYPE; GD III; Gaucher Disease, Type 3; Type 3 Gaucher disease (Subacute; Juvenile). Identifiers: Orphanet 355, Orphanet 77261, MedGen C0268251, MONDO:0009267, OMIM 231000.
Parkinson disease, late-onset (PD). Also called: Susceptibility to Parkinson's Disease; PARKINSON DISEASE, LATE-ONSET, SUSCEPTIBILITY TO; Hereditary late onset Parkinson disease. Identifiers: Orphanet 411602, MedGen C3160718, MONDO:0008199, OMIM 168600.

Allele frequency attached by ClinVar (database versions not stated): gnomAD 0.00002 and 0.00003; ExAC 0.00004; ESP Exome Variant Server 0.00008; TOPMed 0.00009.
gnomAD v4.1: 95 of 1,613,990 alleles (0.0059%); highest among the groups gnomAD compares: African/African-American, 0.004%; no homozygotes.

Submissions (7):

Women's Health and Genetics/Laboratory Corporation of America, LabCorp
Classification: Uncertain significance. Last evaluated: 2026-05-26. Review status: criteria provided, single submitter. Criteria: LabCorp Variant Classification Summary - May 2015. Collection method: clinical testing. Allele origin: germline.
Comment: Variant summary: GBA1 c.247C>T (p.Arg83Cys), also referred to as R44C in the literature, results in a non-conservative amino acid change in the encoded protein sequence. Algorithms developed to predict the effect of missense changes on protein structure and function are either unavailable or do not agree on the potential impact of this missense change. The variant allele was found at a frequency of 5.9e-05 in 1621154 control chromosomes. This frequency is not significantly higher than estimated for disease-causing variants in GBA1, allowing no conclusion about variant significance. c.247C>T has been observed in individuals affected with essential tremor, amyotrophic lateral sclerosis, dementia with Lewy bodies and Parkinson's disease, without strong evidence for causality (e.g. Clark_2009, Gan-Or2011, Alcalay_2015, Mata_2016, Benitez_2016, Kruger_2016, Robak_2017, Goldstein_2019, Orme_2020, Mangone_2020, Lorenzo-Betancor_2024). These reports do not provide unequivocal conclusions about association of the variant with disease. To our knowledge, no experimental evidence demonstrating an impact on protein function has been reported. The following publications have been ascertained in the context of this evaluation (PMID: 32888397, 26117366, 26743617, 27094865, 19527940, 35163551, 33570220, 21837367, 25653295, 31662221, 34072005, 27790088, 33547828, 39051491, 32866938, 26296077, 34017912, 31996268, 29140481, 29842932, 29784561, 20425034, 30573413). ClinVar contains an entry for this variant (Variation ID: 806230). Based on the evidence outlined above, the variant was classified as uncertain significance.

PreventionGenetics, part of Exact Sciences
Classification: Uncertain significance for GBA1-related condition. Last evaluated: 2025-08-07. Review status: criteria provided, single submitter. Criteria: ACMG Guidelines, 2015. Collection method: clinical testing. Allele origin: germline.
Comment: The GBA1 c.247C>T variant is predicted to result in the amino acid substitution p.Arg83Cys. This variant, alternatively referred to as p.Arg44Cys using legacy nomenclature, has been reported in the heterozygous state in individuals with GBA1-related disorders, primarily Parkinson disease (see, for example: Clark et al. 2010. PubMed ID: 19527940; Benitez et al. 2016. PubMed ID: 27094865; Orme et al. 2020. PubMed ID: 31996268). One individual with early-onset Parkinson disease carried this variant and a second GBA1 variant (Gan-Or et al. 2011. PubMed ID: 21837367), and another individual who carried this variant also carried a pathogenic variant in LRRK2 (Alcalay et al. 2015. PubMed ID: 26117366). This variant has also been detected in control individuals (Ruskey et al. 2018. PubMed ID: 29842932) and is reported in 0.13% of alleles in individuals of Ashkenazi Jewish descent in gnomAD. At this time, the clinical significance of this variant is uncertain due to the absence of conclusive functional and genetic evidence.

Blueprint Genetics
Classification: Uncertain significance. Last evaluated: 2024-09-13. Review status: criteria provided, single submitter. Criteria: ACMG Guidelines, 2015. Collection method: clinical testing. Allele origin: germline.

Fulgent Genetics
Classification: Uncertain significance for Lewy body dementia; Parkinson disease, late-onset; Gaucher disease type I; Gaucher disease type II; Gaucher disease type III; Gaucher disease-ophthalmoplegia-cardiovascular calcification syndrome; Gaucher disease perinatal lethal. Last evaluated: 2022-05-03. Review status: criteria provided, single submitter. Criteria: ACMG Guidelines, 2015. Collection method: clinical testing. Allele origin: unknown.

GeneDx
Classification: Uncertain significance. Last evaluated: 2021-07-22. Review status: criteria provided, single submitter. Criteria: GeneDx Variant Classification Process June 2021. Collection method: clinical testing. Allele origin: germline. Affected: yes.
Comment: Reported in the heterozygous state in two individuals with Parkinson disease and was absent in controls. One of the individuals was a Parkinson disease patient with no family history who also harbored a variant in the LRRK2 gene (Benitez et al., 2016); In an Ashkenazi Jewish population screening study for GBA variants in Parkinson patients, the frequency of the R83C (reported as R44C) variant was 4 times higher in an in-house control population (7/662) than in the Parkinson disease patient population (2/735); however, the variant was present at a lower frequency in a larger control population derived from the IBD exomes project, suggesting that further studies are needed to better understand the significance of this variant (Ruskey et al., 2018); In silico analysis, which includes protein predictors and evolutionary conservation, supports a deleterious effect; Missense variants in nearby residues reported in the Human Gene Mutation Database in individuals with Gaucher disease and Parkinson disease (Stenson et al., 2014) This variant is associated with the following publications: (PMID: 31996268, 29842932, 19815695, 19527940, 27094865, 26117366, 21837367)

CeGaT Center for Human Genetics Tuebingen
Classification: Uncertain significance. Last evaluated: 2017-05-01. Review status: criteria provided, single submitter. Criteria: CeGaT Center For Human Genetics Tuebingen Variant Classification Criteria Version 2. Collection method: clinical testing. Allele origin: germline. Affected: yes. Observed: 1 variant allele.

Natera, Inc.
Classification: Uncertain significance for Gaucher disease. Last evaluated: 2017-08-09. Review status: no assertion criteria provided. Collection method: clinical testing. Allele origin: germline. Not counted in ClinVar's aggregate classification.

Literature cited by the submitters: PubMed 27094865 (cited by Women's Health and Genetics/Laboratory Corporation of America, LabCorp); PubMed 26117366 (cited by Women's Health and Genetics/Laboratory Corporation of America, LabCorp); PubMed 26296077 (cited by Women's Health and Genetics/Laboratory Corporation of America, LabCorp); PubMed 25653295 (cited by Women's Health and Genetics/Laboratory Corporation of America, LabCorp); PubMed 29140481 (cited by Women's Health and Genetics/Laboratory Corporation of America, LabCorp); PubMed 32888397 (cited by Women's Health and Genetics/Laboratory Corporation of America, LabCorp); PubMed 26743617 (cited by Women's Health and Genetics/Laboratory Corporation of America, LabCorp); PubMed 19527940 (cited by Women's Health and Genetics/Laboratory Corporation of America, LabCorp); PubMed 33570220 (cited by Women's Health and Genetics/Laboratory Corporation of America, LabCorp); PubMed 21837367 (cited by Women's Health and Genetics/Laboratory Corporation of America, LabCorp); PubMed 31662221 (cited by Women's Health and Genetics/Laboratory Corporation of America, LabCorp); PubMed 34072005 (cited by Women's Health and Genetics/Laboratory Corporation of America, LabCorp); PubMed 27790088 (cited by Women's Health and Genetics/Laboratory Corporation of America, LabCorp); PubMed 33547828 (cited by Women's Health and Genetics/Laboratory Corporation of America, LabCorp); PubMed 32866938 (cited by Women's Health and Genetics/Laboratory Corporation of America, LabCorp); PubMed 34017912 (cited by Women's Health and Genetics/Laboratory Corporation of America, LabCorp); PubMed 31996268 (cited by Women's Health and Genetics/Laboratory Corporation of America, LabCorp); PubMed 29842932 (cited by Women's Health and Genetics/Laboratory Corporation of America, LabCorp); PubMed 29784561 (cited by Women's Health and Genetics/Laboratory Corporation of America, LabCorp); PubMed 20425034 (cited by Women's Health and Genetics/Laboratory Corporation of America, LabCorp); PubMed 30573413 (cited by Women's Health and Genetics/Laboratory Corporation of America, LabCorp); PubMed 35163551 (cited by Women's Health and Genetics/Laboratory Corporation of America, LabCorp); PubMed 39051491 (cited by Women's Health and Genetics/Laboratory Corporation of America, LabCorp).

NM_000157.4(GBA1):c.247C>T (p.Arg83Cys)

Genes: GBA1 (glucosylceramidase beta 1; minus strand), LOC106627981 (GBA recombination region; plus strand). Cytogenetic location: 1q22.
Variant type: single nucleotide variant.
Coding change: c.247C>T on transcript NM_000157.4 (MANE Select); coding-DNA position 247, C replaced by T.
Protein change: p.Arg83Cys; replaces arginine 83 with cysteine.
Molecular consequence: missense variant. On other transcripts: 5 prime UTR variant (1).
Genome position (GRCh38, 1-based): chr1:155,239,946, G>A on the plus strand (C>T on the coding strand, the complement: GBA1 is on the minus strand). VCF-style: chr1-155239946-G-A. GRCh37 (hg19) VCF-style: chr1-155209737-G-A.
Other names: c.247C>T, p.Arg83Cys (NM_001005741.3, NM_001005742.3, NM_001171812.2); c.-15C>T (NM_001171811.2); short protein forms R83C.
Identifiers: ClinVar variation 806230 (VCV000806230.50), dbSNP rs1141812, ClinGen allele CA1141805.